The following is an entry in ClinVar:

ClinVar aggregate classification (germline): Uncertain significance (1 of 4 stars; one submission).

Conditions:
Hypertrophic cardiomyopathy. Also called: HYPERTROPHIC MYOCARDIOPATHY. Identifiers: Orphanet 217569, MedGen C0007194, MeSH D002312, MONDO:0005045, HP:0001639.

Allele frequency attached by ClinVar (database versions not stated): gnomAD exomes below 0.00001.
gnomAD v4.1: 1 of 1,613,436 alleles (0.000062%); highest among the groups gnomAD compares: Non-Finnish European, 0.000085%; no homozygotes.

Submission:

Labcorp Genetics (formerly Invitae), Labcorp
Classification: Uncertain significance for Hypertrophic cardiomyopathy. Last evaluated: 2022-09-07. Review status: criteria provided, single submitter. Criteria: Invitae Variant Classification Sherloc (09022015). Collection method: clinical testing. Allele origin: germline.
Comment: This variant has not been reported in the literature in individuals affected with JPH2-related conditions. This variant is present in population databases (no rsID available, gnomAD 0.006%). This sequence change replaces alanine, which is neutral and non-polar, with valine, which is neutral and non-polar, at codon 654 of the JPH2 protein (p.Ala654Val). ClinVar contains an entry for this variant (Variation ID: 855988). In summary, the available evidence is currently insufficient to determine the role of this variant in disease. Therefore, it has been classified as a Variant of Uncertain Significance. Algorithms developed to predict the effect of sequence changes on RNA splicing suggest that this variant may create or strengthen a splice site. Algorithms developed to predict the effect of missense changes on protein structure and function (SIFT, PolyPhen-2, Align-GVGD) all suggest that this variant is likely to be tolerated.

NM_020433.5(JPH2):c.1961C>T (p.Ala654Val)

Gene: JPH2 (junctophilin 2; minus strand). Cytogenetic location: 20q13.12.
Variant type: single nucleotide variant.
Coding change: c.1961C>T on transcript NM_020433.5 (MANE Select); coding-DNA position 1961, C replaced by T.
Protein change: p.Ala654Val; replaces alanine 654 with valine.
Molecular consequence: missense variant.
Genome position (GRCh38, 1-based): chr20:44,115,714, G>A on the plus strand (C>T on the coding strand, the complement: JPH2 is on the minus strand). VCF-style: chr20-44115714-G-A. GRCh37 (hg19) VCF-style: chr20-42744354-G-A.
Other names: short protein forms A654V.
Identifiers: ClinVar variation 855988 (VCV000855988.9), dbSNP rs1175261037, ClinGen allele CA409099591.